The following is an entry in ClinVar:

NM_015294.6(TRIM37):c.2056C>T (p.Arg686Ter)

Gene: TRIM37 (tripartite motif containing 37; minus strand). Cytogenetic location: 17q22.
Variant type: single nucleotide variant.
Coding change: c.2056C>T on transcript NM_015294.6 (MANE Select); coding-DNA position 2056, C replaced by T.
Protein change: p.Arg686Ter; replaces arginine 686 with a stop codon.
Molecular consequence: nonsense. On other transcripts: non-coding transcript variant (2).
Genome position (GRCh38, 1-based): chr17:59,028,616, G>A on the plus strand (C>T on the coding strand, the complement: TRIM37 is on the minus strand). VCF-style: chr17-59028616-G-A. GRCh37 (hg19) VCF-style: chr17-57105977-G-A.
Other names: c.2056C>T, p.Arg686Ter (NM_001005207.5, NM_001320988.3, NM_001320989.3 and 1 more transcripts); c.1954C>T, p.Arg652Ter (NM_001320987.3, NM_001353082.2); c.1690C>T, p.Arg564Ter (NM_001320990.3); c.1321C>T, p.Arg441Ter (NM_001353083.2); c.1594C>T, p.Arg532Ter (NM_001353085.2); c.2005C>T, p.Arg669Ter (NM_001353086.2); short protein forms R686*, R532*, R652*, R669*, R441*, R564*.
Identifiers: ClinVar variation 56567 (VCV000056567.3), dbSNP rs386834003, ClinGen allele CA144372.

ClinVar aggregate classification (germline): Pathogenic. Review status: criteria provided, single submitter (1 of 4 stars). 2 submissions from 2 submitters: Pathogenic (1). 1 of the submissions does not count toward it. Last evaluated 2022-05-09.

Conditions:
Mulibrey nanism syndrome. Also called: MUSCLE-LIVER-BRAIN-EYE NANISM; PERHEENTUPA SYNDROME; PERICARDIAL CONSTRICTION AND GROWTH FAILURE. Identifiers: Orphanet 2576, MedGen C0524582, MONDO:0009664, OMIM 253250.

Allele frequency attached by ClinVar (database versions not stated): gnomAD exomes below 0.00001; TOPMed 0.00001.
gnomAD v4.1: 4 of 1,614,158 alleles (0.00025%); highest among the groups gnomAD compares: Non-Finnish European, 0.00034%; no homozygotes.

Submissions (2):

Baylor Genetics
Classification: Pathogenic for Mulibrey nanism syndrome. Last evaluated: 2022-05-09. Review status: criteria provided, single submitter. Criteria: ACMG Guidelines, 2015. Collection method: clinical testing. Allele origin: unknown.

Juha Muilu Group; Institute for Molecular Medicine Finland (FIMM)
Classification: Likely pathogenic for Mulibrey nanism syndrome. Review status: no assertion criteria provided. Collection method: not provided. Allele origin: unknown. Not counted in ClinVar's aggregate classification.
Comment: FinDis database variant: This variant was not found or characterized by our laboratory, data were collected from public sources: see reference
ClinVar note: Converted during submission from probable-pathogenic to Likely pathogenic.